The following is an entry in ClinVar:

NM_003737.4(DCHS1):c.1420C>T (p.Arg474Cys)

Gene: DCHS1 (dachsous cadherin-related 1; minus strand). Cytogenetic location: 11p15.4.
Variant type: single nucleotide variant.
Coding change: c.1420C>T on transcript NM_003737.4 (MANE Select); coding-DNA position 1420, C replaced by T.
Protein change: p.Arg474Cys; replaces arginine 474 with cysteine.
Molecular consequence: missense variant.
Genome position (GRCh38, 1-based): chr11:6,640,194, G>A on the plus strand (C>T on the coding strand, the complement: DCHS1 is on the minus strand). VCF-style: chr11-6640194-G-A. GRCh37 (hg19) VCF-style: chr11-6661425-G-A.
Other names: c.1420C>T (NM_003737.3); short protein forms R474C.
Identifiers: ClinVar variation 1451520 (VCV001451520.11), dbSNP rs117390152, ClinGen allele CA5860972.

ClinVar aggregate classification (germline): Conflicting classifications of pathogenicity. Review status: criteria provided, conflicting classifications (1 of 4 stars). 3 submissions from 3 submitters: Uncertain significance (1); Likely benign (1). 1 of the submissions does not count toward it. Last evaluated 2025-11-28.

Conditions:
DCHS1-related disorder. Also called: DCHS1-related condition.

Allele frequency attached by ClinVar (database versions not stated): gnomAD exomes 0.00018 and 0.00026; ExAC 0.00022; TOPMed 0.00050; gnomAD 0.00056 and 0.00058; 1000 Genomes Project 30x 0.00062; ESP Exome Variant Server 0.00062; 1000 Genomes Project 0.00080.
gnomAD v4.1: 462 of 1,613,596 alleles (0.029%); highest among the groups gnomAD compares: East Asian, 0.66%; 1 homozygote.

Submissions (3):

Labcorp Genetics (formerly Invitae), Labcorp
Classification: Likely benign. Last evaluated: 2025-11-28. Review status: criteria provided, single submitter. Criteria: Invitae Variant Classification Sherloc (09022015). Collection method: clinical testing. Allele origin: germline.

GeneDx
Classification: Uncertain significance. Last evaluated: 2024-05-09. Review status: criteria provided, single submitter. Criteria: GeneDx Variant Classification Process June 2021. Collection method: clinical testing. Allele origin: germline. Affected: yes.
Comment: In silico analysis supports that this missense variant has a deleterious effect on protein structure/function; Has not been previously published as pathogenic or benign to our knowledge

PreventionGenetics, part of Exact Sciences
Classification: Likely benign for DCHS1-related condition. Last evaluated: 2023-10-18. Review status: no assertion criteria provided. Collection method: clinical testing. Allele origin: germline. Not counted in ClinVar's aggregate classification.
Comment: This variant is classified as likely benign based on ACMG/AMP sequence variant interpretation guidelines (Richards et al. 2015 PMID: 25741868, with internal and published modifications).